The following is an entry in ClinVar:

ClinVar aggregate classification (germline): Uncertain significance. Review status: criteria provided, multiple submitters, no conflicts (2 of 4 stars). 2 submissions from 2 submitters: Uncertain significance (2). Last evaluated 2025-05-07.

Conditions:
PCNT-related disorder. Also called: PCNT-related condition.

gnomAD v4.1: 3 of 1,613,814 alleles (0.00019%); highest among the groups gnomAD compares: African/African-American, 0.0027%; no homozygotes.

Submissions (2):

GeneDx
Classification: Uncertain significance. Last evaluated: 2025-05-07. Review status: criteria provided, single submitter. Criteria: GeneDx Variant Classification Process June 2021. Collection method: clinical testing. Allele origin: germline. Affected: yes.
Comment: Not observed at significant frequency in large population cohorts (gnomAD); In silico analysis supports that this missense variant has a deleterious effect on protein structure/function; Missense variant in a gene in which most reported pathogenic variants are truncating/loss of function; Has not been previously published as pathogenic or benign to our knowledge

PreventionGenetics, part of Exact Sciences
Classification: Uncertain significance for PCNT-related condition. Last evaluated: 2025-02-09. Review status: criteria provided, single submitter. Criteria: ACMG Guidelines, 2015. Collection method: clinical testing. Allele origin: germline.
Comment: The PCNT c.980A>T variant is predicted to result in the amino acid substitution p.Glu327Val. To our knowledge, this variant has not been reported in the literature or in a large population database (gnomAD), indicating this variant is rare. At this time, the clinical significance of this variant is uncertain due to the absence of conclusive functional and genetic evidence.

NM_006031.6(PCNT):c.980A>T (p.Glu327Val)

Gene: PCNT (pericentrin; plus strand). Cytogenetic location: 21q22.3.
Variant type: single nucleotide variant.
Coding change: c.980A>T on transcript NM_006031.6 (MANE Select); coding-DNA position 980, A replaced by T.
Protein change: p.Glu327Val; replaces glutamic acid 327 with valine.
Molecular consequence: missense variant.
Genome position (GRCh38, 1-based): chr21:46,347,460, A>T. VCF-style: chr21-46347460-A-T. GRCh37 (hg19) VCF-style: chr21-47767374-A-T.
Other names: c.626A>T, p.Glu209Val (NM_001315529.2); short protein forms E209V, E327V.
Identifiers: ClinVar variation 4528315 (VCV004528315.2).